The following is an entry in ClinVar:

ClinVar aggregate classification (germline): Uncertain significance (1 of 4 stars; one submission).

Conditions:
Rienhoff syndrome. Also called: LOEYS-DIETZ SYNDROME 5. Identifiers: MedGen C3810012, MONDO:0014262, OMIM 615582.

Allele frequency attached by ClinVar (database versions not stated): ExAC 0.00001.

Submission:

Labcorp Genetics (formerly Invitae), Labcorp
Classification: Uncertain significance for Rienhoff syndrome. Last evaluated: 2022-03-02. Review status: criteria provided, single submitter. Criteria: Invitae Variant Classification Sherloc (09022015). Collection method: clinical testing. Allele origin: germline.
Comment: In summary, the available evidence is currently insufficient to determine the role of this variant in disease. Therefore, it has been classified as a Variant of Uncertain Significance. Algorithms developed to predict the effect of missense changes on protein structure and function are either unavailable or do not agree on the potential impact of this missense change (SIFT: "Deleterious"; PolyPhen-2: "Probably Damaging"; Align-GVGD: "Class C0"). This variant has not been reported in the literature in individuals affected with TGFB3-related conditions. This variant is not present in population databases (gnomAD no frequency). This sequence change replaces leucine, which is neutral and non-polar, with methionine, which is neutral and non-polar, at codon 14 of the TGFB3 protein (p.Leu14Met).

NM_003239.5(TGFB3):c.40C>A (p.Leu14Met)

Gene: TGFB3 (transforming growth factor beta 3; minus strand). Cytogenetic location: 14q24.3.
Variant type: single nucleotide variant.
Coding change: c.40C>A on transcript NM_003239.5 (MANE Select); coding-DNA position 40, C replaced by A.
Protein change: p.Leu14Met; replaces leucine 14 with methionine.
Molecular consequence: missense variant.
Genome position (GRCh38, 1-based): chr14:75,980,854, G>T on the plus strand (C>A on the coding strand, the complement: TGFB3 is on the minus strand). VCF-style: chr14-75980854-G-T. GRCh37 (hg19) VCF-style: chr14-76447197-G-T.
Other names: c.40C>A, p.Leu14Met (NM_001329938.2, NM_001329939.2); short protein forms L14M.
Identifiers: ClinVar variation 1935318 (VCV001935318.5), dbSNP rs775822611, ClinGen allele CA7280530.